The following is an entry in ClinVar:

NM_006303.4(AIMP2):c.683T>C (p.Val228Ala)

Genes: AIMP2 (aminoacyl tRNA synthetase complex interacting multifunctional protein 2; plus strand), EIF2AK1 (eukaryotic translation initiation factor 2 alpha kinase 1; minus strand). Cytogenetic location: 7p22.1.
Variant type: single nucleotide variant.
Coding change: c.683T>C on transcript NM_006303.4 (MANE Select); coding-DNA position 683, T replaced by C.
Protein change: p.Val228Ala; replaces valine 228 with alanine.
Molecular consequence: missense variant. On other transcripts: 3 prime UTR variant (2).
Genome position (GRCh38, 1-based): chr7:6,023,411, T>C. VCF-style: chr7-6023411-T-C. GRCh37 (hg19) VCF-style: chr7-6063042-T-C.
Other names: c.*1262A>G (NM_001134335.2, NM_014413.4); c.563T>C, p.Val188Ala (NM_001326606.2); c.476T>C, p.Val159Ala (NM_001326607.2); c.449T>C, p.Val150Ala (NM_001326609.2, NM_001326610.2, NM_001326611.3); c.596T>C, p.Val199Ala (NM_001362785.2); c.551T>C, p.Val184Ala (NM_001362787.2); short protein forms V150A, V159A, V184A, V188A, V199A, V228A.
Identifiers: ClinVar variation 1921642 (VCV001921642.5), dbSNP rs575274304, ClinGen allele CA4150454.

ClinVar aggregate classification (germline): Uncertain significance (1 of 4 stars; one submission).

Allele frequency attached by ClinVar (database versions not stated): TOPMed 0.00003; 1000 Genomes Project 30x 0.00016; 1000 Genomes Project 0.00020; gnomAD exomes 0.00001; ExAC 0.00002; gnomAD 0.00002.
gnomAD v4.1: 13 of 1,614,236 alleles (0.00081%); highest among the groups gnomAD compares: East Asian, 0.025%; no homozygotes.

Submission:

Labcorp Genetics (formerly Invitae), Labcorp
Classification: Uncertain significance. Last evaluated: 2022-03-04. Review status: criteria provided, single submitter. Criteria: Invitae Variant Classification Sherloc (09022015). Collection method: clinical testing. Allele origin: germline.
Comment: This sequence change replaces valine, which is neutral and non-polar, with alanine, which is neutral and non-polar, at codon 228 of the AIMP2 protein (p.Val228Ala). This variant is present in population databases (rs575274304, gnomAD 0.04%). This variant has not been reported in the literature in individuals affected with AIMP2-related conditions. Algorithms developed to predict the effect of missense changes on protein structure and function (SIFT, PolyPhen-2, Align-GVGD) all suggest that this variant is likely to be tolerated. In summary, the available evidence is currently insufficient to determine the role of this variant in disease. Therefore, it has been classified as a Variant of Uncertain Significance.